The following is an entry in ClinVar:

ClinVar aggregate classification (germline): Conflicting classifications of pathogenicity. Review status: criteria provided, conflicting classifications (1 of 4 stars). 4 submissions from 4 submitters: Uncertain significance (3); Likely benign (1). Last evaluated 2026-01-24.

Conditions:
Inborn genetic diseases. Identifiers: MedGen C0950123, MeSH D030342.

Allele frequency attached by ClinVar (database versions not stated): ExAC 0.00001; gnomAD exomes 0.00001; TOPMed 0.00002.
gnomAD v4.1: 11 of 1,614,220 alleles (0.00068%); highest among the groups gnomAD compares: Admixed American, 0.0017%; no homozygotes.

Submissions (4):

Labcorp Genetics (formerly Invitae), Labcorp
Classification: Likely benign. Last evaluated: 2026-01-24. Review status: criteria provided, single submitter. Criteria: Invitae Variant Classification Sherloc (09022015). Collection method: clinical testing. Allele origin: germline.

Ambry Genetics
Classification: Uncertain significance for Inborn genetic diseases. Last evaluated: 2024-06-22. Review status: criteria provided, single submitter. Criteria: Ambry Variant Classification Scheme 2023. Collection method: clinical testing. Allele origin: germline.

GeneDx
Classification: Uncertain significance. Last evaluated: 2023-04-10. Review status: criteria provided, single submitter. Criteria: GeneDx Variant Classification Process June 2021. Collection method: clinical testing. Allele origin: germline. Affected: yes.
Comment: In silico analysis supports that this missense variant does not alter protein structure/function; Has not been previously published as pathogenic or benign to our knowledge

Blueprint Genetics
Classification: Uncertain significance. Last evaluated: 2022-05-04. Review status: criteria provided, single submitter. Criteria: ACMG Guidelines, 2015. Collection method: clinical testing. Allele origin: germline.

NM_002473.6(MYH9):c.5363A>G (p.Lys1788Arg)

Gene: MYH9 (myosin heavy chain 9; minus strand). Cytogenetic location: 22q12.3.
Variant type: single nucleotide variant.
Coding change: c.5363A>G on transcript NM_002473.6 (MANE Select); coding-DNA position 5363, A replaced by G.
Protein change: p.Lys1788Arg; replaces lysine 1788 with arginine.
Molecular consequence: missense variant.
Genome position (GRCh38, 1-based): chr22:36,285,241, T>C on the plus strand (A>G on the coding strand, the complement: MYH9 is on the minus strand). VCF-style: chr22-36285241-T-C. GRCh37 (hg19) VCF-style: chr22-36681287-T-C.
Other names: short protein forms K1788R.
Identifiers: ClinVar variation 1312946 (VCV001312946.6), dbSNP rs775451903, ClinGen allele CA10209072.
Genomic context (GRCh38, chr22:36,285,241, plus strand): 5'-GAGGCCTTGTACTTGGACTTGACAGTGCCCTCCATCTCCTGCAGCTTGACCTTAAGCTCC[T>C]TGTTCTGGCGTTCCAGCTGCTGCCGAGCATTCTCGTTCTTCTGGGCGTGGCTGCGCTCCA-3'
Protein context (NP_002464.1, residues 1778-1798): NARQQLERQN[Lys1788Arg]ELKVKLQEME